The following is an entry in ClinVar:

NM_017636.4(TRPM4):c.323G>T (p.Arg108Leu)

Gene: TRPM4 (transient receptor potential cation channel subfamily M member 4; plus strand). Cytogenetic location: 19q13.33.
Variant type: single nucleotide variant.
Coding change: c.323G>T on transcript NM_017636.4 (MANE Select); coding-DNA position 323, G replaced by T.
Protein change: p.Arg108Leu; replaces arginine 108 with leucine.
Molecular consequence: missense variant. On other transcripts: intron variant (4).
Genome position (GRCh38, 1-based): chr19:49,167,972, G>T. VCF-style: chr19-49167972-G-T. GRCh37 (hg19) VCF-style: chr19-49671229-G-T.
Other names: c.323G>T, p.Arg108Leu (NM_001195227.2); c.-1105-288G>T (NM_001321282.2); c.268-581G>T (NM_001321281.2); c.-74-288G>T (NM_001321283.2); c.-237-581G>T (NM_001321285.2); short protein forms R108L.
Identifiers: ClinVar variation 1729286 (VCV001729286.2), dbSNP rs371414435, ClinGen allele CA406790098.

ClinVar aggregate classification (germline): Uncertain significance (1 of 4 stars; one submission).

Conditions:
Cardiovascular phenotype. Identifiers: MedGen CN230736.

Submission:

Ambry Genetics
Classification: Uncertain significance for Cardiovascular phenotype. Last evaluated: 2017-06-24. Review status: criteria provided, single submitter. Criteria: Ambry Variant Classification Scheme 2023. Collection method: clinical testing. Allele origin: germline.
Comment: The p.R108L variant (also known as c.323G>T), located in coding exon 4 of the TRPM4 gene, results from a G to T substitution at nucleotide position 323. The arginine at codon 108 is replaced by leucine, an amino acid with dissimilar properties. A benign polymorphism in the same codon, p.R108C, has been reported at a frequency of >3% of African alleles in the gnomAD population database. This amino acid position is poorly conserved in available vertebrate species. In addition, this alteration is predicted to be tolerated by in silico analysis. Since supporting evidence is limited at this time, the clinical significance of this alteration remains unclear.